The following is an entry in ClinVar:

NM_001040151.2(SCN3B):c.628G>A (p.Ala210Thr)

Gene: SCN3B (sodium voltage-gated channel beta subunit 3; minus strand). Cytogenetic location: 11q24.1.
Variant type: single nucleotide variant.
Coding change: c.628G>A on transcript NM_001040151.2 (MANE Select); coding-DNA position 628, G replaced by A.
Protein change: p.Ala210Thr; replaces alanine 210 with threonine.
Molecular consequence: missense variant.
Genome position (GRCh38, 1-based): chr11:123,634,163, C>T on the plus strand (G>A on the coding strand, the complement: SCN3B is on the minus strand). VCF-style: chr11-123634163-C-T. GRCh37 (hg19) VCF-style: chr11-123504871-C-T.
Other names: c.628G>A, p.Ala210Thr (NM_018400.4); short protein forms A210T.
Identifiers: ClinVar variation 1752650 (VCV001752650.2), dbSNP rs2497554990, ClinGen allele CA383070008.

ClinVar aggregate classification (germline): Uncertain significance (1 of 4 stars; one submission).

Conditions:
Cardiovascular phenotype. Identifiers: MedGen CN230736.

gnomAD v4.1: 1 of 1,613,910 alleles (0.000062%); highest among the groups gnomAD compares: African/African-American, 0.0013%; no homozygotes.

Submission:

Ambry Genetics
Classification: Uncertain significance for Cardiovascular phenotype. Last evaluated: 2022-04-21. Review status: criteria provided, single submitter. Criteria: Ambry Variant Classification Scheme 2023. Collection method: clinical testing. Allele origin: germline.
Comment: The p.A210T variant (also known as c.628G>A), located in coding exon 5 of the SCN3B gene, results from a G to A substitution at nucleotide position 628. The alanine at codon 210 is replaced by threonine, an amino acid with similar properties. This amino acid position is conserved. In addition, the in silico prediction for this alteration is inconclusive. Since supporting evidence is limited at this time, the clinical significance of this alteration remains unclear.